The following is an entry in ClinVar:

ClinVar aggregate classification (germline): Uncertain significance (1 of 4 stars; one submission).

Allele frequency attached by ClinVar (database versions not stated): ExAC 0.00002; TOPMed 0.00002; gnomAD 0.00003; gnomAD exomes 0.00003.
gnomAD v4.1: 48 of 1,609,952 alleles (0.003%); highest among the groups gnomAD compares: South Asian, 0.02%; no homozygotes.

Submission:

Labcorp Genetics (formerly Invitae), Labcorp
Classification: Uncertain significance. Last evaluated: 2022-07-26. Review status: criteria provided, single submitter. Criteria: Invitae Variant Classification Sherloc (09022015). Collection method: clinical testing. Allele origin: germline.
Comment: This sequence change affects codon 42 of the SLC34A1 mRNA. It is a 'silent' change, meaning that it does not change the encoded amino acid sequence of the SLC34A1 protein. This variant is present in population databases (rs760199474, gnomAD 0.02%). This variant has not been reported in the literature in individuals affected with SLC34A1-related conditions. Algorithms developed to predict the effect of sequence changes on RNA splicing suggest that this variant may create or strengthen a splice site. In summary, the available evidence is currently insufficient to determine the role of this variant in disease. Therefore, it has been classified as a Variant of Uncertain Significance.

NM_003052.5(SLC34A1):c.126G>A (p.Pro42=)

Gene: SLC34A1 (solute carrier family 34 member 1; plus strand). Cytogenetic location: 5q35.3.
Variant type: single nucleotide variant.
Coding change: c.126G>A on transcript NM_003052.5 (MANE Select); coding-DNA position 126, G replaced by A.
Protein change: p.Pro42=; no amino-acid change (proline 42 retained).
Molecular consequence: synonymous variant.
Genome position (GRCh38, 1-based): chr5:177,386,003, G>A. VCF-style: chr5-177386003-G-A. GRCh37 (hg19) VCF-style: chr5-176813004-G-A.
Other names: c.126G>A, p.Pro42= (NM_001167579.2).
Identifiers: ClinVar variation 2189444 (VCV002189444.4), dbSNP rs760199474, ClinGen allele CA3580271.
Genomic context (GRCh38, chr5:177,386,003, plus strand): 5'-CCCACTTTGGGGCCCTGGGGCTCCTGACCAGGCTCCCTCCCTAGTCCTACACAGGATCCC[G>A]GGGACCTCTGCCTATGCCTTCCCCAGCCTGGGCCCTGTGGCCCTTGCTGAGCACACCTGC-3'
Protein context (NP_003043.3, residues 32-52): VPSPQVLHRI[Pro42=]GTSAYAFPSL